The following is an entry in ClinVar:

ClinVar aggregate classification (germline): Uncertain significance. Review status: criteria provided, multiple submitters, no conflicts (2 of 4 stars). 4 submissions from 4 submitters: Uncertain significance (4). Last evaluated 2024-11-26.

Conditions:
Benign familial hematuria. Also called: thin basement membrane disease. Identifiers: MedGen C0241908, MONDO:0957317.
Autosomal recessive Alport syndrome (ATS2). Also called: COL4A4 Alport Syndrome and Thin Basement Membrane Nephropathy; Alport syndrome type 2; ALPORT SYNDROME 2, AUTOSOMAL RECESSIVE; COL4A3-Related Nephropathy. Identifiers: Orphanet 63, Orphanet 88919, MedGen C4746745, MONDO:0008762, OMIM 203780.
Alport syndrome. Also called: Hemorrhagic familial nephritis; Hemorrhagic hereditary nephritis; Congenital hereditary hematuria. Identifiers: Orphanet 63, MedGen C1567741, MONDO:0018965.

Allele frequency attached by ClinVar (database versions not stated): gnomAD exomes 0.00001 and 0.00004; gnomAD 0.00003 and 0.00002; TOPMed 0.00002.

Submissions (4):

Blueprint Genetics
Classification: Uncertain significance. Last evaluated: 2024-11-26. Review status: criteria provided, single submitter. Criteria: ACMG Guidelines, 2015. Collection method: clinical testing. Allele origin: germline.

Fulgent Genetics
Classification: Uncertain significance for Hematuria, benign familial, 1; Autosomal recessive Alport syndrome. Last evaluated: 2021-09-24. Review status: criteria provided, single submitter. Criteria: ACMG Guidelines, 2015. Collection method: clinical testing. Allele origin: unknown.

Labcorp Genetics (formerly Invitae), Labcorp
Classification: Uncertain significance. Last evaluated: 2021-09-17. Review status: criteria provided, single submitter. Criteria: Invitae Variant Classification Sherloc (09022015). Collection method: clinical testing. Allele origin: germline.
Comment: This sequence change replaces serine with asparagine at codon 1621 of the COL4A4 protein (p.Ser1621Asn). The serine residue is highly conserved and there is a small physicochemical difference between serine and asparagine. This variant is not present in population databases (ExAC no frequency). This variant has not been reported in the literature in individuals with COL4A4-related conditions. ClinVar contains an entry for this variant (Variation ID: 334699). In summary, the available evidence is currently insufficient to determine the role of this variant in disease. Therefore, it has been classified as a Variant of Uncertain Significance.

Illumina Laboratory Services, Illumina
Classification: Uncertain significance for Alport syndrome. Last evaluated: 2018-01-12. Review status: criteria provided, single submitter. Criteria: ICSL Variant Classification Criteria 13 December 2019. Collection method: clinical testing. Allele origin: germline.

NM_000092.5(COL4A4):c.4862G>A (p.Ser1621Asn)

Gene: COL4A4 (collagen type IV alpha 4 chain; minus strand). Cytogenetic location: 2q36.3.
Variant type: single nucleotide variant.
Coding change: c.4862G>A on transcript NM_000092.5 (MANE Select); coding-DNA position 4862, G replaced by A.
Protein change: p.Ser1621Asn; replaces serine 1621 with asparagine.
Molecular consequence: missense variant.
Genome position (GRCh38, 1-based): chr2:227,007,536, C>T on the plus strand (G>A on the coding strand, the complement: COL4A4 is on the minus strand). VCF-style: chr2-227007536-C-T. GRCh37 (hg19) VCF-style: chr2-227872252-C-T.
Other names: short protein forms S1621N.
Identifiers: ClinVar variation 334699 (VCV000334699.8), dbSNP rs886055723, ClinGen allele CA10612644.